The following is an entry in ClinVar:

NM_013266.4(CTNNA3):c.1282G>A (p.Val428Met)

Gene: CTNNA3 (catenin alpha 3; minus strand). Cytogenetic location: 10q21.3.
Variant type: single nucleotide variant.
Coding change: c.1282G>A on transcript NM_013266.4 (MANE Select); coding-DNA position 1282, G replaced by A.
Protein change: p.Val428Met; replaces valine 428 with methionine.
Molecular consequence: missense variant.
Genome position (GRCh38, 1-based): chr10:66,621,784, C>T on the plus strand (G>A on the coding strand, the complement: CTNNA3 is on the minus strand). VCF-style: chr10-66621784-C-T. GRCh37 (hg19) VCF-style: chr10-68381542-C-T.
Other names: c.1282G>A, p.Val428Met (NM_001127384.3); c.1282G>A (NM_013266.2); short protein forms V428M.
Identifiers: ClinVar variation 1002294 (VCV001002294.9), dbSNP rs770912324, ClinGen allele CA5519999.
Genomic context (GRCh38, chr10:66,621,784, plus strand): 5'-CAATTTTGACAATTTTAATTCCATCTTCATTTGTTGACATGGAACAAGCAAGATTTGCCA[C>T]CTTAAATACAATCCAAAATAATGGAAATTATTTTAGATTAGCAAGGAAATGCAGCAACAC-3'
Protein context (NP_037398.2, residues 418-438): FHEHTSRLVE[Val428Met]ANLACSMSTN

ClinVar aggregate classification (germline): Uncertain significance. Review status: criteria provided, multiple submitters, no conflicts (2 of 4 stars). 2 submissions from 2 submitters: Uncertain significance (2). Last evaluated 2025-08-20.

Conditions:
Arrhythmogenic right ventricular dysplasia 13. Also called: ARRHYTHMOGENIC RIGHT VENTRICULAR CARDIOMYOPATHY 13; Arrhythmogenic right ventricular dysplasia, familial, 13. Identifiers: MedGen C3810138, MONDO:0000908, OMIM 615616.

Allele frequency attached by ClinVar (database versions not stated): ExAC 0.00001; gnomAD 0.00001; gnomAD exomes 0.00001 and below 0.00001; TOPMed 0.00002.
gnomAD v4.1: 7 of 1,589,702 alleles (0.00044%); highest among the groups gnomAD compares: African/African-American, 0.0027%; no homozygotes.

Submissions (2):

Ambry Genetics
Classification: Uncertain significance. Last evaluated: 2025-08-20. Review status: criteria provided, single submitter. Criteria: Ambry Variant Classification Scheme 2023. Collection method: clinical testing. Allele origin: germline.
Comment: The p.V428M variant (also known as c.1282G>A) is located in coding exon 9 of the CTNNA3 gene. The valine at codon 428 is replaced by methionine, an amino acid with highly similar properties. This change occurs in the first base pair of coding exon 9. This amino acid position is conserved. In addition, the in silico prediction for this alteration is inconclusive. Based on the available evidence, the clinical significance of this variant remains unclear.

Labcorp Genetics (formerly Invitae), Labcorp
Classification: Uncertain significance for Arrhythmogenic right ventricular dysplasia 13. Last evaluated: 2024-10-05. Review status: criteria provided, single submitter. Criteria: Invitae Variant Classification Sherloc (09022015). Collection method: clinical testing. Allele origin: germline.
Comment: This sequence change replaces valine, which is neutral and non-polar, with methionine, which is neutral and non-polar, at codon 428 of the CTNNA3 protein (p.Val428Met). This variant is present in population databases (rs770912324, gnomAD 0.0009%). This variant has not been reported in the literature in individuals affected with CTNNA3-related conditions. ClinVar contains an entry for this variant (Variation ID: 1002294). An algorithm developed to predict the effect of missense changes on protein structure and function (PolyPhen-2) suggests that this variant is likely to be tolerated. In summary, the available evidence is currently insufficient to determine the role of this variant in disease. Therefore, it has been classified as a Variant of Uncertain Significance.